The following is an entry in ClinVar:

NM_001278716.2(FBXL4):c.672G>A (p.Val224=)

Gene: FBXL4 (F-box and leucine rich repeat protein 4; minus strand). Cytogenetic location: 6q16.2.
Variant type: single nucleotide variant.
Coding change: c.672G>A on transcript NM_001278716.2 (MANE Select); coding-DNA position 672, G replaced by A.
Protein change: p.Val224=; no amino-acid change (valine 224 retained).
Molecular consequence: synonymous variant.
Genome position (GRCh38, 1-based): chr6:98,917,560, C>T on the plus strand (G>A on the coding strand, the complement: FBXL4 is on the minus strand). VCF-style: chr6-98917560-C-T. GRCh37 (hg19) VCF-style: chr6-99365436-C-T.
Other names: c.672G>A, p.Val224= (NM_012160.5).
Identifiers: ClinVar variation 437613 (VCV000437613.1), dbSNP rs545027066, ClinGen allele CA3933640.

ClinVar aggregate classification (germline): Uncertain significance (1 of 4 stars; one submission).

Conditions:
Mitochondrial DNA depletion syndrome 13. Also called: FBXL4-Related Encephalomyopathic Mitochondrial DNA Depletion Syndrome; Mitochondrial DNA depletion syndrome 13 (encephalomyopathic type). Identifiers: Orphanet 369897, MedGen C3809592, MONDO:0014198, OMIM 615471.

Allele frequency attached by ClinVar (database versions not stated): gnomAD exomes 0.00008 and 0.00002; ExAC 0.00012; 1000 Genomes Project 30x 0.00031; 1000 Genomes Project 0.00040; gnomAD 0.00001.
gnomAD v4.1: 33 of 1,614,012 alleles (0.002%); highest among the groups gnomAD compares: South Asian, 0.026%; no homozygotes.

Submission:

Wong Mito Lab, Molecular and Human Genetics, Baylor College of Medicine
Classification: Uncertain significance for Mitochondrial DNA depletion syndrome 13. Last evaluated: 2017-08-10. Review status: criteria provided, single submitter. Criteria: ACMG Guidelines, 2015. Collection method: reference population. Allele origin: germline.
Comment: The NM_012160.4:c.672G>A (NP_036292.2:p.Val224=) [GRCH38: NC_000006.12:g.98917560C>T] variant in FBXL4 gene is interpretated to be a Uncertain Significance - Conflicting Evidence based on ACMG guidelines (PMID: 25741868). This variant meets one or more of the following evidence codes reported in the ACMG-guideline. PM2:This variant is absent in key population databases. BP4:Computational evidence/predictors indicate no impact on the FBXL4 structure, function, or protein-protein interaction. BP7:The variant is silent with non predicted splice impact. Based on this evidence code ClinGen Pathogenicity Calculator (PMID:28081714) suggested that the variant is Uncertain Significance - Conflicting Evidence.